The following is an entry in ClinVar:

NM_000088.4(COL1A1):c.2910_2911del (p.Gly971fs)

Gene: COL1A1 (collagen type I alpha 1 chain; minus strand). Cytogenetic location: 17q21.33.
Variant type: Microsatellite.
Coding change: c.2910_2911del on transcript NM_000088.4 (MANE Select); coding-DNA positions 2910 to 2911, 2 bases deleted (AG; older notation c.2910_2911delAG).
Protein change: p.Gly971fs; shifts the reading frame from glycine 971.
Molecular consequence: frameshift variant.
Genome position (GRCh38, 1-based): chr17:50,189,194-50,189,195, CT deleted on the plus strand (AG on the coding strand, the reverse complement: COL1A1 is on the minus strand); deleting any 2 consecutive bases within chr17:50,189,194-50,189,202 gives the same sequence; the c. name uses the placement nearest the transcript's 3' end. VCF-style (leftmost placement, unchanged base first): chr17-50189193-CCT-C. GRCh37 (hg19) VCF-style: chr17-48266554-CCT-C.
Other names: short protein forms G971fs.
Identifiers: ClinVar variation 1393742 (VCV001393742.6), dbSNP rs1555572401, ClinGen allele CA645569668.

ClinVar aggregate classification (germline): Pathogenic (1 of 4 stars; one submission).

Conditions:
Osteogenesis imperfecta type I (OI1). Also called: OI, TYPE I; OSTEOGENESIS IMPERFECTA TARDA; OSTEOGENESIS IMPERFECTA WITH BLUE SCLERAE; Osteogenesis imperfecta type 1; Lobstein disease; Classic Non-deforming Osteogenesis Imperfecta with Blue Sclerae. Identifiers: Orphanet 216796, Orphanet 666, MedGen C0023931, MONDO:0008146, OMIM 166200. Disease mechanism: loss of function.

Submission:

Labcorp Genetics (formerly Invitae), Labcorp
Classification: Pathogenic for Osteogenesis imperfecta type I. Last evaluated: 2021-03-23. Review status: criteria provided, single submitter. Criteria: Invitae Variant Classification Sherloc (09022015). Collection method: clinical testing. Allele origin: germline.
Comment: This variant is not present in population databases (ExAC no frequency). This sequence change creates a premature translational stop signal (p.Gly971Leufs*10) in the COL1A1 gene. It is expected to result in an absent or disrupted protein product. Loss-of-function variants in COL1A1 are known to be pathogenic (PMID: 7942841, 9295084, 9443882). For these reasons, this variant has been classified as Pathogenic. This variant has not been reported in the literature in individuals with COL1A1-related conditions.

Literature cited by the submitters: PubMed 7942841; PubMed 9295084; PubMed 9443882.